The following is an entry in ClinVar:

NM_000844.4(GRM7):c.2670C>T (p.Thr890=)

Gene: GRM7 (glutamate metabotropic receptor 7; plus strand). Cytogenetic location: 3p26.1.
Variant type: single nucleotide variant.
Coding change: c.2670C>T on transcript NM_000844.4 (MANE Select); coding-DNA position 2670, C replaced by T.
Protein change: p.Thr890=; no amino-acid change (threonine 890 retained).
Molecular consequence: synonymous variant.
Genome position (GRCh38, 1-based): chr3:7,680,267, C>T. VCF-style: chr3-7680267-C-T. GRCh37 (hg19) VCF-style: chr3-7721954-C-T.
Other names: c.2670C>T, p.Thr890= (NM_181874.3); c.2670C>T (NM_000844.3).
Identifiers: ClinVar variation 1537002 (VCV001537002.24), dbSNP rs149053611, ClinGen allele CA2235162.

ClinVar aggregate classification (germline): Likely benign. Review status: criteria provided, multiple submitters, no conflicts (2 of 4 stars). 3 submissions from 3 submitters: Likely benign (2). 1 of the submissions does not count toward it. Last evaluated 2025-10-01.

Conditions:
GRM7-related disorder. Also called: GRM7-related condition.

Allele frequency attached by ClinVar (database versions not stated): gnomAD 0.00002 and 0.00003; TOPMed 0.00003; gnomAD exomes 0.00005; ExAC 0.00006; ESP Exome Variant Server 0.00023.
gnomAD v4.1: 85 of 1,613,998 alleles (0.0053%); highest among the groups gnomAD compares: Non-Finnish European, 0.0063%; no homozygotes.

Submissions (3):

CeGaT Center for Human Genetics Tuebingen
Classification: Likely benign. Last evaluated: 2025-10-01. Review status: criteria provided, single submitter. Criteria: CeGaT Center For Human Genetics Tuebingen Variant Classification Criteria Version 2. Collection method: clinical testing. Allele origin: germline. Affected: yes. Observed: 2 variant alleles.
Comment: GRM7: BP4, BP7

Labcorp Genetics (formerly Invitae), Labcorp
Classification: Likely benign. Last evaluated: 2022-12-06. Review status: criteria provided, single submitter. Criteria: Invitae Variant Classification Sherloc (09022015). Collection method: clinical testing. Allele origin: germline.

PreventionGenetics, part of Exact Sciences
Classification: Likely benign for GRM7-related condition. Last evaluated: 2019-04-03. Review status: no assertion criteria provided. Collection method: clinical testing. Allele origin: germline. Not counted in ClinVar's aggregate classification.
Comment: This variant is classified as likely benign based on ACMG/AMP sequence variant interpretation guidelines (Richards et al. 2015 PMID: 25741868, with internal and published modifications).